The following is an entry in ClinVar:

ClinVar aggregate classification (germline): Benign (1 of 4 stars; one submission).

Conditions:
Symmetrical dyschromatosis of extremities (DSH). Also called: DYSCHROMATOSIS SYMMETRICA HEREDITARIA 1; RETICULATE ACROPIGMENTATION OF DOHI; SYMMETRIC DYSCHROMATOSIS OF THE EXTREMITIES; Dyschromatosis symmetrica hereditaria. Identifiers: Orphanet 41, MedGen C0406775, MONDO:0007483, OMIM 127400.

Allele frequency attached by ClinVar (database versions not stated): gnomAD 0.00001 and 0.00030; TOPMed 0.00004; 1000 Genomes Project 0.00080; 1000 Genomes Project 30x 0.00141.

Submission:

Illumina Laboratory Services, Illumina
Classification: Benign for Symmetrical dyschromatosis of extremities. Last evaluated: 2018-01-13. Review status: criteria provided, single submitter. Criteria: ICSL Variant Classification Criteria 13 December 2019. Collection method: clinical testing. Allele origin: germline.
Comment: This variant was observed in the ICSL laboratory as part of a predisposition screen in an ostensibly healthy population. It had not been previously curated by ICSL or reported in the Human Gene Mutation Database (HGMD: prior to June 1st, 2018), and was therefore a candidate for classification through an automated scoring system. Utilizing variant allele frequency, disease prevalence and penetrance estimates, and inheritance mode, an automated score was calculated to assess if this variant is too frequent to cause the disease. Based on the score and internal cut-off values, a variant classified as benign is not then subjected to further curation. The score for this variant resulted in a classification of benign for this disease.

NM_001111.5(ADAR):c.*1614T>A

Gene: ADAR (adenosine deaminase RNA specific; minus strand). Cytogenetic location: 1q21.3.
Variant type: single nucleotide variant.
Coding change: c.*1614T>A on transcript NM_001111.5 (MANE Select); 1614 bases downstream of the stop codon, T replaced by A.
Molecular consequence: 3 prime UTR variant.
Genome position (GRCh38, 1-based): chr1:154,583,192, A>T on the plus strand (T>A on the coding strand, the complement: ADAR is on the minus strand). VCF-style: chr1-154583192-A-T. GRCh37 (hg19) VCF-style: chr1-154555668-A-T.
Other names: c.*1614T>A (NM_001025107.3, NM_001193495.2, NM_001365045.1 and 6 more transcripts).
Identifiers: ClinVar variation 876333 (VCV000876333.4), dbSNP rs530015999, ClinGen allele CA30847389.